The following is an entry in ClinVar:

ClinVar aggregate classification (germline): Uncertain significance (1 of 4 stars; one submission).

Conditions:
Immunodeficiency 19 (IMD19). Also called: IMMUNODEFICIENCY 19, SEVERE COMBINED; CD3-DELTA DEFICIENCY; SEVERE COMBINED IMMUNODEFICIENCY, T CELL-NEGATIVE, B CELL-POSITIVE, NK CELL-POSITIVE; SCID, T CELL-NEGATIVE, B CELL-POSITIVE, NK CELL-POSITIVE. Identifiers: MedGen C3810147, MONDO:0014280, OMIM 615617.

Allele frequency attached by ClinVar (database versions not stated): gnomAD 0.00001; TOPMed 0.00001; ExAC 0.00003; gnomAD exomes 0.00004 and 0.00006.
gnomAD v4.1: 93 of 1,613,532 alleles (0.0058%); highest among the groups gnomAD compares: Non-Finnish European, 0.0077%; no homozygotes.

Submission:

Labcorp Genetics (formerly Invitae), Labcorp
Classification: Uncertain significance for Immunodeficiency 19. Last evaluated: 2025-11-12. Review status: criteria provided, single submitter. Criteria: Invitae Variant Classification Sherloc (09022015). Collection method: clinical testing. Allele origin: germline.
Comment: This sequence change falls in intron 3 of the CD3D gene. It does not directly change the encoded amino acid sequence of the CD3D protein. It affects a nucleotide within the consensus splice site. This variant is present in population databases (rs201527689, gnomAD 0.006%). This variant has not been reported in the literature in individuals affected with CD3D-related conditions. ClinVar contains an entry for this variant (Variation ID: 1402654). Variants that disrupt the consensus splice site are a relatively common cause of aberrant splicing (PMID: 17576681, 9536098). Algorithms developed to predict the effect of sequence changes on RNA splicing suggest that this variant may disrupt the consensus splice site. In summary, the available evidence is currently insufficient to determine the role of this variant in disease. Therefore, it has been classified as a Variant of Uncertain Significance.

Literature cited by the submitters: PubMed 17576681; PubMed 9536098.

NM_000732.6(CD3D):c.406+5G>A

Gene: CD3D (CD3 delta subunit of T-cell receptor complex; minus strand). Cytogenetic location: 11q23.3.
Variant type: single nucleotide variant.
Coding change: c.406+5G>A on transcript NM_000732.6 (MANE Select); 5 bases into the intron after coding-DNA position 406, G replaced by A.
Molecular consequence: intron variant.
Genome position (GRCh38, 1-based): chr11:118,339,770, C>T on the plus strand (G>A on the coding strand, the complement: CD3D is on the minus strand). VCF-style: chr11-118339770-C-T. GRCh37 (hg19) VCF-style: chr11-118210485-C-T.
Other names: c.275-276G>A (NM_001040651.2).
Identifiers: ClinVar variation 1402654 (VCV001402654.4), dbSNP rs201527689, ClinGen allele CA6301920.